The following is an entry in ClinVar:

ClinVar aggregate classification (germline): Pathogenic. Review status: criteria provided, multiple submitters, no conflicts (2 of 4 stars). 2 submissions from 2 submitters: Pathogenic (2). Last evaluated 2026-09-09.

Conditions:
CLDN14-related disorder. Also called: CLDN14-related condition.
Autosomal recessive nonsyndromic hearing loss 29. Identifiers: Orphanet 90636, MedGen C3279660, MONDO:0013537, OMIM 614035.

Submissions (2):

PreventionGenetics, part of Exact Sciences
Classification: Pathogenic for CLDN14-related condition. Last evaluated: 2026-09-09. Review status: criteria provided, single submitter. Criteria: ACMG Guidelines, 2015. Collection method: clinical testing. Allele origin: germline.
Comment: The CLDN14 c.202C>T variant is predicted to result in premature protein termination (p.Arg68*). This variant was reported in the homozygous state in five individuals with hearing loss from two families, one of which was reported to be consanguineous (Li et al. 2021. PubMed ID: 33724713; Tlili et al. 2024. PubMed ID: 38790217). This variant has not been reported in a large population database (gnomAD), indicating this variant is rare. Nonsense variants in CLDN14 are expected to be pathogenic. This variant is interpreted as pathogenic.

Greenwood Genetic Center Diagnostic Laboratories, Greenwood Genetic Center
Classification: Pathogenic for Autosomal recessive nonsyndromic hearing loss 29. Last evaluated: 2025-10-20. Review status: criteria provided, single submitter. Criteria: ACMG Guidelines, 2015. Collection method: clinical testing. Allele origin: germline. Affected: yes.
Comment: PVS1, PM2, PM3

NM_001146079.2(CLDN14):c.202C>T (p.Arg68Ter)

Genes: CLDN14 (claudin 14; minus strand), CLDN14-AS1 (CLDN14 antisense RNA 1; plus strand). Cytogenetic location: 21q22.13.
Variant type: single nucleotide variant.
Coding change: c.202C>T on transcript NM_001146079.2 (MANE Select); coding-DNA position 202, C replaced by T.
Protein change: p.Arg68Ter; replaces arginine 68 with a stop codon.
Molecular consequence: nonsense.
Genome position (GRCh38, 1-based): chr21:36,461,494, G>A on the plus strand (C>T on the coding strand, the complement: CLDN14 is on the minus strand). VCF-style: chr21-36461494-G-A. GRCh37 (hg19) VCF-style: chr21-37833792-G-A.
Other names: c.202C>T, p.Arg68Ter (NM_001146077.2, NM_001146078.3, NM_012130.4 and 1 more transcripts); c.202C>T (NM_001146077.1); short protein forms R68*.
Identifiers: ClinVar variation 4845581 (VCV004845581.2).